The following is an entry in ClinVar:

ClinVar aggregate classification (germline): Uncertain significance (1 of 4 stars; one submission).

Conditions:
Peroxisome biogenesis disorder, complementation group K (CGK). Identifiers: MedGen C1866257, MONDO:0800365.

Allele frequency attached by ClinVar (database versions not stated): gnomAD exomes below 0.00001.
gnomAD v4.1: 1 of 1,614,132 alleles (0.000062%); highest among the groups gnomAD compares: Non-Finnish European, 0.000085%; no homozygotes.

Submission:

Labcorp Genetics (formerly Invitae), Labcorp
Classification: Uncertain significance for Peroxisome biogenesis disorder, complementation group K. Last evaluated: 2023-10-09. Review status: criteria provided, single submitter. Criteria: Invitae Variant Classification Sherloc (09022015). Collection method: clinical testing. Allele origin: germline.
Comment: This sequence change replaces leucine, which is neutral and non-polar, with arginine, which is basic and polar, at codon 94 of the PEX14 protein (p.Leu94Arg). This variant is not present in population databases (gnomAD no frequency). This variant has not been reported in the literature in individuals affected with PEX14-related conditions. ClinVar contains an entry for this variant (Variation ID: 2005511). Advanced modeling of protein sequence and biophysical properties (such as structural, functional, and spatial information, amino acid conservation, physicochemical variation, residue mobility, and thermodynamic stability) has been performed at Invitae for this missense variant, however the output from this modeling did not meet the statistical confidence thresholds required to predict the impact of this variant on PEX14 protein function. In summary, the available evidence is currently insufficient to determine the role of this variant in disease. Therefore, it has been classified as a Variant of Uncertain Significance.

NM_004565.3(PEX14):c.281T>G (p.Leu94Arg)

Gene: PEX14 (peroxisomal biogenesis factor 14; plus strand). Cytogenetic location: 1p36.22.
Variant type: single nucleotide variant.
Coding change: c.281T>G on transcript NM_004565.3 (MANE Select); coding-DNA position 281, T replaced by G.
Protein change: p.Leu94Arg; replaces leucine 94 with arginine.
Molecular consequence: missense variant.
Genome position (GRCh38, 1-based): chr1:10,599,349, T>G. VCF-style: chr1-10599349-T-G. GRCh37 (hg19) VCF-style: chr1-10659406-T-G.
Other names: short protein forms L94R.
Identifiers: ClinVar variation 2005511 (VCV002005511.4), dbSNP rs1640920550, ClinGen allele CA338690520.